The following is an entry in ClinVar:

NM_018979.4(WNK1):c.4364C>A (p.Ala1455Glu)

Gene: WNK1 (WNK lysine deficient protein kinase 1; plus strand). Cytogenetic location: 12p13.33.
Variant type: single nucleotide variant.
Coding change: c.4364C>A on transcript NM_018979.4 (MANE Select); coding-DNA position 4364, C replaced by A.
Protein change: p.Ala1455Glu; replaces alanine 1455 with glutamic acid.
Molecular consequence: missense variant.
Genome position (GRCh38, 1-based): chr12:885,168, C>A. VCF-style: chr12-885168-C-A. GRCh37 (hg19) VCF-style: chr12-994334-C-A.
Other names: c.5144C>A, p.Ala1715Glu (NM_001184985.2); c.3623C>A, p.Ala1208Glu (NM_014823.3); c.5120C>A, p.Ala1707Glu (NM_213655.5); short protein forms A1707E, A1208E, A1715E, A1455E.
Identifiers: ClinVar variation 846832 (VCV000846832.6), dbSNP rs759951096, ClinGen allele CA383331080.
Genomic context (GRCh38, chr12:885,168, plus strand): 5'-CATCCACATCTGAGATCGTTGTTTCTAGTACAGCACTGTATCCTTCAGTAACAGTTTCAG[C>A]AACTTCAGCCTCTGCAGGGGGCAGTACTGCTACCCCAGGTCCTAAGCCTCCAGCTGTAGT-3'
Protein context (NP_061852.3, residues 1445-1465): TALYPSVTVS[Ala1455Glu]TSASAGGSTA

ClinVar aggregate classification (germline): Uncertain significance (1 of 4 stars; one submission).

Conditions:
Pseudohypoaldosteronism type 2C (PHA2C). Also called: Pseudohypoaldosteronism Type IIC. Identifiers: Orphanet 757, Orphanet 88940, MedGen C1840391, MONDO:0013778, OMIM 614492.
Neuropathy, hereditary sensory and autonomic, type 2A (HSAN2A). Also called: MORVAN DISEASE; NEUROPATHY, CONGENITAL SENSORY; NEUROPATHY, HEREDITARY SENSORY RADICULAR, AUTOSOMAL RECESSIVE; NEUROPATHY, HEREDITARY SENSORY, TYPE IIA; NEUROPATHY, PROGRESSIVE SENSORY, OF CHILDREN; WNK1-Related HSAN2 (HSAN2A). Identifiers: Orphanet 970, MedGen C2752089, MONDO:0024309, OMIM 201300.

Allele frequency attached by ClinVar (database versions not stated): TOPMed 0.00001.

Submission:

Labcorp Genetics (formerly Invitae), Labcorp
Classification: Uncertain significance for Neuropathy, hereditary sensory and autonomic, type 2A; Pseudohypoaldosteronism type 2C. Last evaluated: 2021-09-01. Review status: criteria provided, single submitter. Criteria: Invitae Variant Classification Sherloc (09022015). Collection method: clinical testing. Allele origin: germline.
Comment: This sequence change replaces alanine with glutamic acid at codon 1707 of the WNK1 protein (p.Ala1707Glu). The alanine residue is weakly conserved and there is a moderate physicochemical difference between alanine and glutamic acid. This variant is not present in population databases (ExAC no frequency). This variant has not been reported in the literature in individuals affected with WNK1-related conditions. Algorithms developed to predict the effect of missense changes on protein structure and function are either unavailable or do not agree on the potential impact of this missense change (SIFT: "Tolerated"; PolyPhen-2: "Not Available"; Align-GVGD: "Class C0"). In summary, the available evidence is currently insufficient to determine the role of this variant in disease. Therefore, it has been classified as a Variant of Uncertain Significance.